The following is an entry in ClinVar:

NM_022725.4(FANCF):c.633G>T (p.Gln211His)

Gene: FANCF (FA complementation group F; minus strand). Cytogenetic location: 11p14.3.
Variant type: single nucleotide variant.
Coding change: c.633G>T on transcript NM_022725.4 (MANE Select); coding-DNA position 633, G replaced by T.
Protein change: p.Gln211His; replaces glutamine 211 with histidine.
Molecular consequence: missense variant.
Genome position (GRCh38, 1-based): chr11:22,625,178, C>A on the plus strand (G>T on the coding strand, the complement: FANCF is on the minus strand). VCF-style: chr11-22625178-C-A. GRCh37 (hg19) VCF-style: chr11-22646724-C-A.
Other names: p.Gln211His; short protein forms Q211H.
Identifiers: ClinVar variation 252737 (VCV000252737.25), dbSNP rs146975768, ClinGen allele CA5924296.

ClinVar aggregate classification (germline): Conflicting classifications of pathogenicity. Review status: criteria provided, conflicting classifications (1 of 4 stars). 10 submissions from 10 submitters: Uncertain significance (8); Likely benign (1). 1 of the submissions does not count toward it. Last evaluated 2025-09-18.

Conditions:
Fanconi anemia (FA). Also called: Fanconi's anemia. Identifiers: Orphanet 84, MedGen C0015625, MeSH D005199, MONDO:0019391.
Fanconi anemia complementation group F. Also called: FANCF-Related Fanconi Anemia. Identifiers: Orphanet 84, MedGen C3469526, MONDO:0011325, OMIM 603467.

Allele frequency attached by ClinVar (database versions not stated): gnomAD exomes 0.00026; ExAC 0.00028; gnomAD 0.00045; TOPMed 0.00046; ESP Exome Variant Server 0.00054.

Submissions (10):

Mayo Clinic Laboratories, Mayo Clinic
Classification: Uncertain significance. Last evaluated: 2025-09-18. Review status: criteria provided, single submitter. Criteria: ACMG Guidelines, 2015. Collection method: clinical testing. Allele origin: germline. Observed: 1 variant allele.
Comment: BP4_moderate

GeneDx
Classification: Uncertain significance. Last evaluated: 2025-06-26. Review status: criteria provided, single submitter. Criteria: GeneDx Variant Classification Process June 2021. Collection method: clinical testing. Allele origin: germline. Affected: yes.
Comment: In silico analysis suggests that this missense variant does not alter protein structure/function; Observed in an individual with a hematological malignancies plus one or more other independent cancers (PMID: 33850299); This variant is associated with the following publications: (PMID: 29641532, 33850299)

Labcorp Genetics (formerly Invitae), Labcorp
Classification: Uncertain significance for Fanconi anemia. Last evaluated: 2025-02-02. Review status: criteria provided, single submitter. Criteria: Invitae Variant Classification Sherloc (09022015). Collection method: clinical testing. Allele origin: germline.
Comment: This sequence change replaces glutamine, which is neutral and polar, with histidine, which is basic and polar, at codon 211 of the FANCF protein (p.Gln211His). This variant is present in population databases (rs146975768, gnomAD 0.05%). This missense change has been observed in individual(s) with FANCF-related condition (PMID: 33850299). ClinVar contains an entry for this variant (Variation ID: 252737). Invitae Evidence Modeling of protein sequence and biophysical properties (such as structural, functional, and spatial information, amino acid conservation, physicochemical variation, residue mobility, and thermodynamic stability) indicates that this missense variant is not expected to disrupt FANCF protein function with a negative predictive value of 80%. In summary, the available evidence is currently insufficient to determine the role of this variant in disease. Therefore, it has been classified as a Variant of Uncertain Significance.

Fulgent Genetics
Classification: Likely benign for Fanconi anemia complementation group F. Last evaluated: 2024-02-13. Review status: criteria provided, single submitter. Criteria: ACMG Guidelines, 2015. Collection method: clinical testing. Allele origin: germline.

Institute for Clinical Genetics, University Hospital TU Dresden, University Hospital TU Dresden
Classification: Uncertain significance. Last evaluated: 2021-11-03. Review status: criteria provided, single submitter. Criteria: ACMG Guidelines, 2015. Collection method: clinical testing. Allele origin: germline.

Sema4
Classification: Uncertain significance for Fanconi anemia. Last evaluated: 2021-09-29. Review status: criteria provided, single submitter. Criteria: Sema4 Curation Guidelines. Collection method: curation. Allele origin: germline.
Comment: To the best of our knowledge, the FANCF c.633G>T (p.Q211H) variant has not been reported in individuals with FANCF-related disease. It was observed in 64/127258 chromosomes of the Non-Finnish European subpopulation, with no homozygotes, in the large and broad cohorts of the Genome Aggregation Database (PMID: 32461654), and has been reported in ClinVar (Variation ID 252737). In silico tools suggest the impact of the variant on protein function is benign, though these predictions have not been confirmed by functional studies. The evidence is insufficient to meet ACMG/AMP criteria for classifying the variant as benign or pathogenic. Thus, the clinical significance of this variant is currently uncertain.

Genetic Services Laboratory, University of Chicago
Classification: Uncertain significance. Last evaluated: 2019-04-04. Review status: criteria provided, single submitter. Criteria: ACMG Guidelines, 2015. Collection method: clinical testing. Allele origin: germline. Affected: no.

Illumina Laboratory Services, Illumina
Classification: Uncertain significance for Fanconi anemia complementation group F. Last evaluated: 2018-01-12. Review status: criteria provided, single submitter. Criteria: ICSL Variant Classification Criteria 13 December 2019. Collection method: clinical testing. Allele origin: germline.

Genomic Diagnostic Laboratory, Division of Genomic Diagnostics, Children's Hospital of Philadelphia
Classification: Uncertain significance. Last evaluated: 2015-07-29. Review status: criteria provided, single submitter. Criteria: DGD Variant Analysis Guidelines. Collection method: clinical testing. Allele origin: unknown.

Department of Pathology and Laboratory Medicine, Sinai Health System
Classification: Uncertain significance. Review status: no assertion criteria provided. Collection method: clinical testing. Allele origin: unknown. Affected: yes. Study: The Canadian Open Genetics Repository (COGR). Not counted in ClinVar's aggregate classification.

Literature cited by the submitters: PubMed 33850299 (cited by Mayo Clinic Laboratories, Mayo Clinic and Labcorp Genetics (formerly Invitae), Labcorp).